The following is an entry in ClinVar:

ClinVar aggregate classification (germline): Pathogenic/Likely pathogenic. Review status: criteria provided, multiple submitters, no conflicts (2 of 4 stars). 8 submissions from 8 submitters: Pathogenic (5); Likely pathogenic (2). 1 of the submissions does not count toward it. Last evaluated 2026-01-21.

Conditions:
LIPH-related disorder. Also called: LIPH-related condition.
Hypotrichosis simplex. Also called: Hereditary hypotrichosis simplex. Identifiers: Orphanet 55654, MedGen C1854310, MeSH C537160, MONDO:0018914.
Hypotrichosis 7 (HYPT7). Also called: HYPOTRICHOSIS, LOCALIZED, AUTOSOMAL RECESSIVE 2; HYPOTRICHOSIS, AUTOSOMAL RECESSIVE. Identifiers: Orphanet 55654, MedGen C1836672, MONDO:0011452, OMIM 604379.
Woolly hair, autosomal recessive 2, with or without hypotrichosis. Identifiers: MedGen C3148823.

Allele frequency attached by ClinVar (database versions not stated): TOPMed 0.00003; gnomAD 0.00005 and 0.00013; gnomAD exomes 0.00016; ExAC 0.00023; 1000 Genomes Project 30x 0.00031; 1000 Genomes Project 0.00040.
gnomAD v4.1: 394 of 1,613,098 alleles (0.024%); highest among the groups gnomAD compares: East Asian, 0.82%; 6 homozygotes.

Submissions (8):

GeneDx
Classification: Pathogenic. Last evaluated: 2026-01-21. Review status: criteria provided, single submitter. Criteria: GeneDx Variant Classification Process June 2021. Collection method: clinical testing. Allele origin: germline.
Comment: Published functional studies demonstrate a damaging effect on enzymatic activity and activation of the lysophosphatidic acid receptor 6 (PMID: 20213768); In silico analysis supports that this missense variant has a deleterious effect on protein structure/function; This variant is associated with the following publications: (PMID: 39244550, 39669605, 24722066, 23590372, 21352330, 25271093, 22449147, 25899282, 27375176, 25819726, 29974973, 27774676, 32901930, 32667621, 19892526, 24586639, 20213768)

Blueprint Genetics
Classification: Pathogenic for LIPH-related disorders. Last evaluated: 2024-03-06. Review status: criteria provided, single submitter. Criteria: ACMG Guidelines, 2015. Collection method: clinical testing. Allele origin: germline. Affected: yes. Observed: 5 variant alleles.

Molecular Genetics, Royal Melbourne Hospital
Classification: Pathogenic for Hypotrichosis 7. Last evaluated: 2022-04-22. Review status: criteria provided, single submitter. Criteria: ACMG Guidelines, 2015. Collection method: clinical testing. Allele origin: germline. Affected: yes.
Comment: This sequence change is predicted to replace cysteine with serine at codon 246 of the LIPH protein, p.(Cys246Ser). The cysteine residue is invariant across species (100 vertebrates, UCSC), and forms a crucial disulphide bond in the lipase domain. There is a large physicochemical difference between cysteine and serine. The variant is present in a large population cohort at a frequency of 0.016% (rs201249971, 39/251,346 alleles, 0 homozygotes in gnomAD v2.1), with a frequency of 0.15% in the East Asian population (36/18,394 alleles). The variant is a Japanese founder variant that has been identified in the homozygous state and compound heterozygous with a second pathogenic allele in multiple individuals with autosomal recessive woolly hair/hypotrichosis, and segregates with disease in at least one family (PMID: 19892526, 20213768). Additionally, in vitro functional assays show complete abolition of hydrolytic activity and no ability to activate P2Y5 for the variant (PMID: 20213768). Multiple lines of computational evidence predict a deleterious effect for the missense substitution (6/6 algorithms). Based on the classification scheme RMH Modified ACMG Guidelines v1.3.0, this variant is classified as PATHOGENIC. Following criteria are met: PM3_VeryStrong, PM1, PS3_Supporting, PP1, PP3.

3billion
Classification: Likely pathogenic for Hypotrichosis 7. Last evaluated: 2022-03-22. Review status: criteria provided, single submitter. Criteria: ACMG Guidelines, 2015. Collection method: clinical testing. Allele origin: germline. Affected: yes. Observed: 1 homozygote.
Comment: Same nucleotide change resulting in same amino acid change has been previously reported as pathogenic/likely pathogenic with strong evidence (ClinVar ID: VCV000225403, PMID:19892526). In silico tool predictions suggest damaging effect of the variant on gene or gene product(REVEL: 0.956>=0.6). A missense variant is a common mechanism . The variant is observed at an extremely low frequency in the gnomAD v2.1.1 dataset (total allele frequency: 0.0001552). Therefore, this variant is classified as likely pathogenic according to the recommendation of ACMG/AMP guideline.

Laboratory for Molecular Medicine, Mass General Brigham Personalized Medicine
Classification: Pathogenic for Hereditary hypotrichosis simplex. Last evaluated: 2018-10-04. Review status: criteria provided, single submitter. Criteria: LMM Criteria. Collection method: clinical testing. Allele origin: germline. Inheritance: Autosomal recessive inheritance. Observed: 1 variant allele.
Comment: The p.Cys246Ser variant in LIPH has been reported in the homozygous or compound heterozygous state in >15 individuals with hypotrichosis and segregated with dis ease in 4 affected relatives from 4 families (Shimomura 2009, Shinkuma 2010, Yos himasu 2011, Tanahashi 2013, Hayashi 2014, Ito 2015). This variant has been desc ribed as a common founder variant in the Japanese population. This variant has b een identified in 0.2% (37/17248) of East Asian chromosomes by the Genome Aggreg ation Database (gnomAD) and has been reported in ClinVar (Variation ID: 225403). Although this variant has been seen in the g eneral population, its frequency is low enough to be consistent with a recessive carrier frequency. In vitro functional studies provide some evidence that the p .Cys246Ser variant may impact protein function (Shinkuma 2010); however, these t ypes of assays may not accurately represent biological function. Computational p rediction tools and conservation analysis suggest that the p.Cys246Ser variant m ay impact the protein, though this information is not predictive enough to deter mine pathogenicity. In summary, this variant meets criteria to be classified as pathogenic for hypotrichosis in an autosomal recessive manner based upon presenc e in affected individuals, segregation studies, and functional evidence. ACMG/AM P Criteria applied: PM3_VeryStrong, PP1_Moderate, PP3, PS3_Supporting.

Soonchunhyang University Bucheon Hospital, Soonchunhyang University Medical Center
Classification: Likely pathogenic for Hypotrichosis 7. Last evaluated: 2016-03-18. Review status: criteria provided, single submitter. Criteria: ACMG Guidelines, 2015. Collection method: reference population. Allele origin: germline. Observed: 1 variant allele.

Juno Genomics, Hangzhou Juno Genomics, Inc
Classification: Pathogenic for Hypotrichosis 7. Review status: criteria provided, single submitter. Criteria: ACMG Guidelines, 2015. Collection method: clinical testing. Allele origin: germline. Affected: yes.
Comment: Absent from controls (or at extremely low frequency if recessive) in Genome Aggregation Database, Exome Sequencing Project, 1000 Genomes Project, or Exome Aggregation Consortium.;For recessive disorders, detected in trans with a pathogenic variant.;Co-segregation with disease in multiple affected family members in a gene definitively known to cause the disease.;Multiple lines of computational evidence support a deleterious effect on the gene or gene product (conservation, evolutionary, splicing impact, etc).;Patient's phenotype or family history is highly specific for a disease with a single genetic etiology.

OMIM
Classification: Pathogenic for WOOLLY HAIR, AUTOSOMAL RECESSIVE 2, WITH OR WITHOUT HYPOTRICHOSIS. Last evaluated: 2009-03-01. Review status: no assertion criteria provided. Collection method: literature only. Allele origin: germline. Not counted in ClinVar's aggregate classification.

Literature cited by the submitters: PubMed 19892526 (cited by 4 submitters); PubMed 20213768 (cited by Molecular Genetics, Royal Melbourne Hospital and Laboratory for Molecular Medicine, Mass General Brigham Personalized Medicine); PubMed 21352330 (cited by Laboratory for Molecular Medicine, Mass General Brigham Personalized Medicine); PubMed 22449147 (cited by Laboratory for Molecular Medicine, Mass General Brigham Personalized Medicine); PubMed 25201209 (cited by Laboratory for Molecular Medicine, Mass General Brigham Personalized Medicine); PubMed 25271093 (cited by Laboratory for Molecular Medicine, Mass General Brigham Personalized Medicine); PubMed 25899282 (cited by Laboratory for Molecular Medicine, Mass General Brigham Personalized Medicine); PubMed 24722066 (cited by Soonchunhyang University Bucheon Hospital, Soonchunhyang University Medical Center); PubMed 23590372 (cited by Soonchunhyang University Bucheon Hospital, Soonchunhyang University Medical Center); PubMed 18830268 (cited by OMIM).

NM_139248.3(LIPH):c.736T>A (p.Cys246Ser)

Gene: LIPH (lipase H; minus strand). Cytogenetic location: 3q27.2.
Variant type: single nucleotide variant.
Coding change: c.736T>A on transcript NM_139248.3 (MANE Select); coding-DNA position 736, T replaced by A.
Protein change: p.Cys246Ser; replaces cysteine 246 with serine.
Molecular consequence: missense variant.
Genome position (GRCh38, 1-based): chr3:185,519,292, A>T on the plus strand (T>A on the coding strand, the complement: LIPH is on the minus strand). VCF-style: chr3-185519292-A-T. GRCh37 (hg19) VCF-style: chr3-185237080-A-T.
Other names: short protein forms C246S.
Identifiers: ClinVar variation 225403 (VCV000225403.12), dbSNP rs201249971, ClinGen allele CA2740507.